The following is an entry in ClinVar:

NM_005506.4(SCARB2):c.1113+1G>T

Gene: SCARB2 (scavenger receptor class B member 2; minus strand). Cytogenetic location: 4q21.1.
Variant type: single nucleotide variant.
Coding change: c.1113+1G>T on transcript NM_005506.4 (MANE Select); the canonical splice donor site of the intron after coding-DNA position 1113, G replaced by T.
Molecular consequence: splice donor variant.
Genome position (GRCh38, 1-based): chr4:76,169,866, C>A on the plus strand (G>T on the coding strand, the complement: SCARB2 is on the minus strand). VCF-style: chr4-76169866-C-A. GRCh37 (hg19) VCF-style: chr4-77091019-C-A.
Other names: c.684+1G>T (NM_001204255.2).
Identifiers: ClinVar variation 1494940 (VCV001494940.8), dbSNP rs2109937707, ClinGen allele CA357314403.
Genomic context (GRCh38, chr4:76,169,866, plus strand): 5'-TGAACAATGTATAGACAGAATAAAACATATGCTCTTTTACCAGGAGGAAGTATGTACTCA[C>A]AGGATTAATGTCCACAAATGTCTCATGGTCTTCCTGATTTGGGTGCATGCCTTCTATGGC-3'

ClinVar aggregate classification (germline): Likely pathogenic (1 of 4 stars; one submission).

Conditions:
Progressive myoclonic epilepsy. Also called: Myoclonic Epilepsies, Progressive; Familial progressive myoclonic epilepsy; Myoclonus epilepsy; Progressive myoclonus epilepsy. Identifiers: Orphanet 308, Orphanet 98261, MedGen C0751778, MONDO:0020074.

Submission:

Labcorp Genetics (formerly Invitae), Labcorp
Classification: Likely pathogenic for Progressive myoclonic epilepsy. Last evaluated: 2024-12-16. Review status: criteria provided, single submitter. Criteria: Invitae Variant Classification Sherloc (09022015). Collection method: clinical testing. Allele origin: germline.
Comment: This sequence change affects a donor splice site in intron 8 of the SCARB2 gene. It is expected to disrupt RNA splicing. Variants that disrupt the donor or acceptor splice site typically lead to a loss of protein function (PMID: 16199547), and loss-of-function variants in SCARB2 are known to be pathogenic (PMID: 19847901). This variant is not present in population databases (gnomAD no frequency). This variant has not been reported in the literature in individuals affected with SCARB2-related conditions. ClinVar contains an entry for this variant (Variation ID: 1494940). Algorithms developed to predict the effect of sequence changes on RNA splicing suggest that this variant may disrupt the consensus splice site. In summary, the currently available evidence indicates that the variant is pathogenic, but additional data are needed to prove that conclusively. Therefore, this variant has been classified as Likely Pathogenic.

Literature cited by the submitters: PubMed 16199547; PubMed 19847901.